The following is an entry in ClinVar:

NM_015178.3(RHOBTB2):c.156A>G (p.Thr52=)

Gene: RHOBTB2 (Rho related BTB domain containing 2; plus strand). Cytogenetic location: 8p21.3.
Variant type: single nucleotide variant.
Coding change: c.156A>G on transcript NM_015178.3 (MANE Select); coding-DNA position 156, A replaced by G.
Protein change: p.Thr52=; no amino-acid change (threonine 52 retained).
Molecular consequence: synonymous variant.
Genome position (GRCh38, 1-based): chr8:23,004,590, A>G. VCF-style: chr8-23004590-A-G. GRCh37 (hg19) VCF-style: chr8-22862103-A-G.
Other names: c.222A>G, p.Thr74= (NM_001160036.2); c.177A>G, p.Thr59= (NM_001160037.2); c.156A>G, p.Thr52= (NM_001374791.1).
Identifiers: ClinVar variation 4872792 (VCV004872792.2).

ClinVar aggregate classification (germline): Likely benign (1 of 4 stars; one submission).

gnomAD v4.1: 2 of 1,614,082 alleles (0.00012%); highest among the groups gnomAD compares: Non-Finnish European, 0.00017%; no homozygotes.

Submission:

CeGaT Center for Human Genetics Tuebingen
Classification: Likely benign. Last evaluated: 2026-05-01. Review status: criteria provided, single submitter. Criteria: CeGaT Center For Human Genetics Tuebingen Variant Classification Criteria Version 2. Collection method: clinical testing. Allele origin: germline. Affected: yes. Observed: 1 variant allele.
Comment: RHOBTB2: BP4, BP7